The following is an entry in ClinVar:

NM_001346754.2(PIGW):c.15G>C (p.Gln5His)

Genes: MYO19 (myosin XIX; minus strand), PIGW (phosphatidylinositol glycan anchor biosynthesis class W; plus strand). Cytogenetic location: 17q12.
Variant type: single nucleotide variant.
Coding change: c.15G>C on transcript NM_001346754.2 (MANE Select); coding-DNA position 15, G replaced by C.
Protein change: p.Gln5His; replaces glutamine 5 with histidine.
Molecular consequence: missense variant.
Genome position (GRCh38, 1-based): chr17:36,537,116, G>C. VCF-style: chr17-36537116-G-C. GRCh37 (hg19) VCF-style: chr17-34892965-G-C.
Other names: c.15G>C, p.Gln5His (NM_001346755.2, NM_178517.5); c.15G>C (NM_178517.3); short protein forms Q5H.
Identifiers: ClinVar variation 2042973 (VCV002042973.5), dbSNP rs1053869803, ClinGen allele CA290115639.

ClinVar aggregate classification (germline): Uncertain significance. Review status: criteria provided, multiple submitters, no conflicts (2 of 4 stars). 2 submissions from 2 submitters: Uncertain significance (2). Last evaluated 2025-05-06.

Conditions:
Inborn genetic diseases. Identifiers: MedGen C0950123, MeSH D030342.
Hyperphosphatasia with intellectual disability syndrome 5 (GPIBD11). Also called: GLYCOSYLPHOSPHATIDYLINOSITOL BIOSYNTHESIS DEFECT 11. Identifiers: Orphanet 247262, MedGen C4014958, MONDO:0014457, OMIM 616025.

Submissions (2):

Ambry Genetics
Classification: Uncertain significance for Inborn genetic diseases. Last evaluated: 2025-05-06. Review status: criteria provided, single submitter. Criteria: Ambry Variant Classification Scheme 2023. Collection method: clinical testing. Allele origin: germline.

Labcorp Genetics (formerly Invitae), Labcorp
Classification: Uncertain significance for Hyperphosphatasia with intellectual disability syndrome 5. Last evaluated: 2024-10-23. Review status: criteria provided, single submitter. Criteria: Invitae Variant Classification Sherloc (09022015). Collection method: clinical testing. Allele origin: germline.
Comment: This sequence change replaces glutamine, which is neutral and polar, with histidine, which is basic and polar, at codon 5 of the PIGW protein (p.Gln5His). This variant is not present in population databases (gnomAD no frequency). This variant has not been reported in the literature in individuals affected with PIGW-related conditions. ClinVar contains an entry for this variant (Variation ID: 2042973). Invitae Evidence Modeling of protein sequence and biophysical properties (such as structural, functional, and spatial information, amino acid conservation, physicochemical variation, residue mobility, and thermodynamic stability) indicates that this missense variant is not expected to disrupt PIGW protein function with a negative predictive value of 80%. In summary, the available evidence is currently insufficient to determine the role of this variant in disease. Therefore, it has been classified as a Variant of Uncertain Significance.